The following is an entry in ClinVar:

NM_004369.4(COL6A3):c.6149G>A (p.Gly2050Glu)

Gene: COL6A3 (collagen type VI alpha 3 chain; minus strand). Cytogenetic location: 2q37.3.
Variant type: single nucleotide variant.
Coding change: c.6149G>A on transcript NM_004369.4 (MANE Select); coding-DNA position 6149, G replaced by A.
Protein change: p.Gly2050Glu; replaces glycine 2050 with glutamic acid.
Molecular consequence: missense variant.
Genome position (GRCh38, 1-based): chr2:237,361,746, C>T on the plus strand (G>A on the coding strand, the complement: COL6A3 is on the minus strand). VCF-style: chr2-237361746-C-T. GRCh37 (hg19) VCF-style: chr2-238270389-C-T.
Other names: c.4328G>A, p.Gly1443Glu (NM_057166.5); c.5531G>A, p.Gly1844Glu (NM_057167.4); short protein forms G1844E, G2050E, G1443E.
Identifiers: ClinVar variation 2711760 (VCV002711760.3), dbSNP rs2469867085, ClinGen allele CA351217660.

ClinVar aggregate classification (germline): Uncertain significance (1 of 4 stars; one submission).

Conditions:
Bethlem myopathy 1A. Also called: MYOPATHY, BENIGN CONGENITAL, WITH CONTRACTURES; Bethlem myopathy 1; Bethlem Muscular Dystrophy. Identifiers: Orphanet 610, MedGen CN029274, MONDO:0024530, OMIM 158810.

Submission:

Labcorp Genetics (formerly Invitae), Labcorp
Classification: Uncertain significance for Bethlem myopathy 1A. Last evaluated: 2023-08-28. Review status: criteria provided, single submitter. Criteria: Invitae Variant Classification Sherloc (09022015). Collection method: clinical testing. Allele origin: germline.
Comment: In summary, the available evidence is currently insufficient to determine the role of this variant in disease. Therefore, it has been classified as a Variant of Uncertain Significance. This variant disrupts the triple helix domain of COL6A3. Glycine residues within the Gly-Xaa-Yaa repeats of the triple helix domain are required for the structure and stability of fibrillar collagens (PMID: 7695699, 8218237, 19344236). In COL6A3, missense variants at these glycine residues are significantly enriched in individuals with autosomal dominant disease (PMID: 15689448, 24038877) compared to the general population (ExAC). Advanced modeling of protein sequence and biophysical properties (such as structural, functional, and spatial information, amino acid conservation, physicochemical variation, residue mobility, and thermodynamic stability) performed at Invitae indicates that this missense variant is expected to disrupt COL6A3 protein function. This variant has not been reported in the literature in individuals affected with COL6A3-related conditions. This variant is not present in population databases (gnomAD no frequency). This sequence change replaces glycine, which is neutral and non-polar, with glutamic acid, which is acidic and polar, at codon 2050 of the COL6A3 protein (p.Gly2050Glu).

Literature cited by the submitters: PubMed 7695699; PubMed 8218237; PubMed 19344236; PubMed 15689448; PubMed 24038877.